The following is an entry in ClinVar:

ClinVar aggregate classification (germline): Uncertain significance (1 of 4 stars; one submission).

Conditions:
Autosomal recessive limb-girdle muscular dystrophy type 2C (LGMDR5). Also called: MUSCULAR DYSTROPHY, LIMB-GIRDLE, AUTOSOMAL RECESSIVE 5; MUSCULAR DYSTROPHY, DUCHENNE-LIKE. Identifiers: Orphanet 353, MedGen C0410173, MONDO:0009677, OMIM 253700. Disease mechanism: Affects gamma-sarcoglycan and also disrupts the integrity of the entire sarcoglycan complex..

Allele frequency attached by ClinVar (database versions not stated): TOPMed below 0.00001; gnomAD 0.00001.

Submission:

Labcorp Genetics (formerly Invitae), Labcorp
Classification: Uncertain significance for Autosomal recessive limb-girdle muscular dystrophy type 2C. Last evaluated: 2022-02-22. Review status: criteria provided, single submitter. Criteria: Invitae Variant Classification Sherloc (09022015). Collection method: clinical testing. Allele origin: germline.
Comment: This sequence change replaces serine, which is neutral and polar, with threonine, which is neutral and polar, at codon 202 of the SGCG protein (p.Ser202Thr). This variant is present in population databases (no rsID available, gnomAD 0.003%). This variant has not been reported in the literature in individuals affected with SGCG-related conditions. Algorithms developed to predict the effect of missense changes on protein structure and function (SIFT, PolyPhen-2, Align-GVGD) all suggest that this variant is likely to be tolerated. In summary, the available evidence is currently insufficient to determine the role of this variant in disease. Therefore, it has been classified as a Variant of Uncertain Significance.

NM_000231.3(SGCG):c.605G>C (p.Ser202Thr)

Gene: SGCG (sarcoglycan gamma; plus strand). Cytogenetic location: 13q12.12.
Variant type: single nucleotide variant.
Coding change: c.605G>C on transcript NM_000231.3 (MANE Select); coding-DNA position 605, G replaced by C.
Protein change: p.Ser202Thr; replaces serine 202 with threonine.
Molecular consequence: missense variant.
Genome position (GRCh38, 1-based): chr13:23,320,663, G>C. VCF-style: chr13-23320663-G-C. GRCh37 (hg19) VCF-style: chr13-23894802-G-C.
Other names: c.659G>C, p.Ser220Thr (NM_001378244.1); c.605G>C, p.Ser202Thr (NM_001378245.1, NM_001378246.1); short protein forms S220T, S202T.
Identifiers: ClinVar variation 2159577 (VCV002159577.1), dbSNP rs1383227062, ClinGen allele CA387502536.